The following is an entry in ClinVar:

NM_012301.4(MAGI2):c.1914T>G (p.Pro638=)

Gene: MAGI2 (membrane associated guanylate kinase, WW and PDZ domain containing 2; minus strand). Cytogenetic location: 7q21.11.
Variant type: single nucleotide variant.
Coding change: c.1914T>G on transcript NM_012301.4 (MANE Select); coding-DNA position 1914, T replaced by G.
Protein change: p.Pro638=; no amino-acid change (proline 638 retained).
Molecular consequence: synonymous variant.
Genome position (GRCh38, 1-based): chr7:78,256,076, A>C on the plus strand (T>G on the coding strand, the complement: MAGI2 is on the minus strand). VCF-style: chr7-78256076-A-C. GRCh37 (hg19) VCF-style: chr7-77885393-A-C.
Other names: c.1914T>G, p.Pro638= (NM_001301128.2); c.1914T>G (NM_012301.3).
Identifiers: ClinVar variation 2892544 (VCV002892544.5), dbSNP rs746306479, ClinGen allele CA4313931.

ClinVar aggregate classification (germline): Likely benign. Review status: criteria provided, single submitter (1 of 4 stars). 2 submissions from 2 submitters: Likely benign (1). 1 of the submissions does not count toward it. Last evaluated 2024-01-31.

Conditions:
MAGI2-related disorder. Also called: MAGI2-related condition.

Allele frequency attached by ClinVar (database versions not stated): ExAC 0.00001; gnomAD 0.00002; TOPMed 0.00003.
gnomAD v4.1: 111 of 1,613,642 alleles (0.0069%); highest among the groups gnomAD compares: Non-Finnish European, 0.0092%; no homozygotes.

Submissions (2):

Labcorp Genetics (formerly Invitae), Labcorp
Classification: Likely benign. Last evaluated: 2024-01-31. Review status: criteria provided, single submitter. Criteria: Invitae Variant Classification Sherloc (09022015). Collection method: clinical testing. Allele origin: germline.

PreventionGenetics, part of Exact Sciences
Classification: Likely benign for MAGI2-related condition. Last evaluated: 2021-05-04. Review status: no assertion criteria provided. Collection method: clinical testing. Allele origin: germline. Not counted in ClinVar's aggregate classification.
Comment: This variant is classified as likely benign based on ACMG/AMP sequence variant interpretation guidelines (Richards et al. 2015 PMID: 25741868, with internal and published modifications).